The following is an entry in ClinVar:

ClinVar aggregate classification (germline): Pathogenic (1 of 4 stars; one submission).

gnomAD v4.1: 1 of 1,612,212 alleles (0.000062%); highest among the groups gnomAD compares: Non-Finnish European, 0.000085%; no homozygotes.

Submission:

Labcorp Genetics (formerly Invitae), Labcorp
Classification: Pathogenic. Last evaluated: 2023-02-05. Review status: criteria provided, single submitter. Criteria: Invitae Variant Classification Sherloc (09022015). Collection method: clinical testing. Allele origin: germline.
Comment: For these reasons, this variant has been classified as Pathogenic. This variant disrupts the p.Trp3130 amino acid residue in USH2A. Other variant(s) that disrupt this residue have been determined to be pathogenic (PMID: 29912909; Invitae). This suggests that this residue is clinically significant, and that variants that disrupt this residue are likely to be disease-causing. Advanced modeling of protein sequence and biophysical properties (such as structural, functional, and spatial information, amino acid conservation, physicochemical variation, residue mobility, and thermodynamic stability) performed at Invitae indicates that this missense variant is expected to disrupt USH2A protein function. This missense change has been observed in individual(s) with Usher syndrome (PMID: 34203967). This variant is not present in population databases (gnomAD no frequency). This sequence change replaces tryptophan, which is neutral and slightly polar, with glycine, which is neutral and non-polar, at codon 3130 of the USH2A protein (p.Trp3130Gly).

Literature cited by the submitters: PubMed 29912909; PubMed 34203967.

NM_206933.4(USH2A):c.9388T>G (p.Trp3130Gly)

Gene: USH2A (usherin; minus strand). Cytogenetic location: 1q41.
Variant type: single nucleotide variant.
Coding change: c.9388T>G on transcript NM_206933.4 (MANE Select); coding-DNA position 9388, T replaced by G.
Protein change: p.Trp3130Gly; replaces tryptophan 3130 with glycine.
Molecular consequence: missense variant.
Genome position (GRCh38, 1-based): chr1:215,817,179, A>C on the plus strand (T>G on the coding strand, the complement: USH2A is on the minus strand). VCF-style: chr1-215817179-A-C. GRCh37 (hg19) VCF-style: chr1-215990521-A-C.
Other names: short protein forms W3130G.
Identifiers: ClinVar variation 1961193 (VCV001961193.5), dbSNP rs773132672, ClinGen allele CA344825421.